The following is an entry in ClinVar:

NM_001378454.1(ALMS1):c.6788G>A (p.Arg2263Gln)

Gene: ALMS1 (ALMS1 centrosome and basal body associated protein; plus strand). Cytogenetic location: 2p13.1.
Variant type: single nucleotide variant.
Coding change: c.6788G>A on transcript NM_001378454.1 (MANE Select); coding-DNA position 6788, G replaced by A.
Protein change: p.Arg2263Gln; replaces arginine 2263 with glutamine.
Molecular consequence: missense variant.
Genome position (GRCh38, 1-based): chr2:73,453,315, G>A. VCF-style: chr2-73453315-G-A. GRCh37 (hg19) VCF-style: chr2-73680442-G-A.
Other names: c.6791G>A, p.Arg2264Gln (NM_015120.4); short protein forms R2263Q, R2264Q.
Identifiers: ClinVar variation 2202853 (VCV002202853.1), dbSNP rs748735648, ClinGen allele CA1714121.

ClinVar aggregate classification (germline): Uncertain significance (1 of 4 stars; one submission).

Conditions:
Alstrom syndrome (ALMS). Identifiers: Orphanet 64, MedGen C0268425, MONDO:0008763, OMIM 203800.

Allele frequency attached by ClinVar (database versions not stated): ExAC 0.00001; gnomAD exomes 0.00001; TOPMed 0.00001; gnomAD 0.00002.
gnomAD v4.1: 15 of 1,613,678 alleles (0.00093%); highest among the groups gnomAD compares: Middle Eastern, 0.016%; no homozygotes.

Submission:

Labcorp Genetics (formerly Invitae), Labcorp
Classification: Uncertain significance for Alstrom syndrome. Last evaluated: 2022-08-16. Review status: criteria provided, single submitter. Criteria: Invitae Variant Classification Sherloc (09022015). Collection method: clinical testing. Allele origin: germline.
Comment: This sequence change replaces arginine, which is basic and polar, with glutamine, which is neutral and polar, at codon 2264 of the ALMS1 protein (p.Arg2264Gln). This variant is present in population databases (rs748735648, gnomAD 0.003%). This variant has not been reported in the literature in individuals affected with ALMS1-related conditions. Experimental studies and prediction algorithms are not available or were not evaluated, and the functional significance of this variant is currently unknown. In summary, the available evidence is currently insufficient to determine the role of this variant in disease. Therefore, it has been classified as a Variant of Uncertain Significance.